The following is an entry in ClinVar:

ClinVar aggregate classification (germline): Uncertain significance (1 of 4 stars; one submission).

Conditions:
Amyotrophic lateral sclerosis type 21. Also called: MYOPATHY, DISTAL, 2; VOCAL CORD AND PHARYNGEAL DYSFUNCTION WITH DISTAL MYOPATHY. Identifiers: Orphanet 600, Orphanet 803, MedGen C3807521, MONDO:0011632, OMIM 606070.

Submission:

Labcorp Genetics (formerly Invitae), Labcorp
Classification: Uncertain significance for Amyotrophic lateral sclerosis type 21. Last evaluated: 2025-06-12. Review status: criteria provided, single submitter. Criteria: Invitae Variant Classification Sherloc (09022015). Collection method: clinical testing. Allele origin: germline.
Comment: This variant, c.997_999del, results in the deletion of 1 amino acid(s) of the MATR3 protein (p.Asn333del), but otherwise preserves the integrity of the reading frame. This variant is not present in population databases (gnomAD no frequency). This variant has not been reported in the literature in individuals affected with MATR3-related conditions. ClinVar contains an entry for this variant (Variation ID: 3719194). Experimental studies and prediction algorithms are not available or were not evaluated, and the functional significance of this variant is currently unknown. In summary, the available evidence is currently insufficient to determine the role of this variant in disease. Therefore, it has been classified as a Variant of Uncertain Significance.

NM_018834.6(MATR3):c.997_999del (p.Asn333del)

Gene: MATR3 (matrin 3; plus strand). Cytogenetic location: 5q31.2.
Variant type: Deletion.
Coding change: c.997_999del on transcript NM_018834.6 (MANE Select); coding-DNA positions 997 to 999, 3 bases deleted (AAT; older notation c.997_999delAAT).
Protein change: p.Asn333del; deletes asparagine 333.
Molecular consequence: 5 prime UTR variant (on NM_001282278.2).
Genome position (GRCh38, 1-based): chr5:139,315,719-139,315,721, AAT deleted. VCF-style (leftmost placement, unchanged base first): chr5-139315718-CAAT-C. GRCh37 (hg19) VCF-style: chr5-138651407-CAAT-C.
Other names: c.997_999del, p.Asn333del (NM_001400451.1, NM_001400452.1, NM_001400453.1 and 16 more transcripts); c.133_135del, p.Asn45del (NM_001194956.2); c.-18_-16del (NM_001282278.2, NM_001400460.1, NM_001400462.1 and 5 more transcripts); c.136_138del, p.Asn46del (NM_001400459.1); c.97_99del, p.Asn33del (NM_001400461.1); short protein forms N333del, N33del, N46del, N45del.
Identifiers: ClinVar variation 3719194 (VCV003719194.2).